The following is an entry in ClinVar:

ClinVar aggregate classification (germline): Uncertain significance (1 of 4 stars; one submission).

Conditions:
Deficiency of aromatic-L-amino-acid decarboxylase. Also called: DDC DEFICIENCY; DOPA DECARBOXYLASE DEFICIENCY; Aromatic amino acid decarboxylase deficiency; Aromatic L-Amino Acid Decarboxylase Deficiency; AADC DEFICIENCY. Identifiers: Orphanet 35708, MedGen C1291564, MONDO:0012084, OMIM 608643.

Allele frequency attached by ClinVar (database versions not stated): gnomAD exomes below 0.00001 and 0.00001.
gnomAD v4.1: 13 of 1,613,814 alleles (0.00081%); highest among the groups gnomAD compares: Non-Finnish European, 0.0011%; no homozygotes.

Submission:

Labcorp Genetics (formerly Invitae), Labcorp
Classification: Uncertain significance for Deficiency of aromatic-L-amino-acid decarboxylase. Last evaluated: 2022-07-26. Review status: criteria provided, single submitter. Criteria: Invitae Variant Classification Sherloc (09022015). Collection method: clinical testing. Allele origin: germline.
Comment: This sequence change replaces methionine, which is neutral and non-polar, with threonine, which is neutral and polar, at codon 362 of the DDC protein (p.Met362Thr). This variant is present in population databases (no rsID available, gnomAD 0.0009%). This missense change has been observed in individual(s) with aromatic L-amino acid decarboxylase deficiency (PMID: 32369189). ClinVar contains an entry for this variant (Variation ID: 1509146). Algorithms developed to predict the effect of missense changes on protein structure and function (SIFT, PolyPhen-2, Align-GVGD) all suggest that this variant is likely to be disruptive. In summary, the available evidence is currently insufficient to determine the role of this variant in disease. Therefore, it has been classified as a Variant of Uncertain Significance.

Literature cited by the submitters: PubMed 32369189.

NM_001082971.2(DDC):c.1085T>C (p.Met362Thr)

Gene: DDC (dopa decarboxylase; minus strand). Cytogenetic location: 7p12.2.
Variant type: single nucleotide variant.
Coding change: c.1085T>C on transcript NM_001082971.2 (MANE Select); coding-DNA position 1085, T replaced by C.
Protein change: p.Met362Thr; replaces methionine 362 with threonine.
Molecular consequence: missense variant.
Genome position (GRCh38, 1-based): chr7:50,470,128, A>G on the plus strand (T>C on the coding strand, the complement: DDC is on the minus strand). VCF-style: chr7-50470128-A-G. GRCh37 (hg19) VCF-style: chr7-50537826-A-G.
Other names: c.1085T>C, p.Met362Thr (NM_000790.4); c.971T>C, p.Met324Thr (NM_001242886.2); c.941T>C, p.Met314Thr (NM_001242887.2); c.851T>C, p.Met284Thr (NM_001242888.2); c.806T>C, p.Met269Thr (NM_001242889.2); short protein forms M362T, M284T, M314T, M269T, M324T.
Identifiers: ClinVar variation 1509146 (VCV001509146.3), dbSNP rs1017626453, ClinGen allele CA158224348.